The following is an entry in ClinVar:

NM_172351.3(CD46):c.902-12_902-11del

Gene: CD46 (CD46 molecule; plus strand). Cytogenetic location: 1q32.2.
Variant type: Deletion.
Coding change: c.902-12_902-11del on transcript NM_172351.3 (MANE Select); 12 bases into the intron before coding-DNA position 902 through 11 bases into the intron before coding-DNA position 902, 2 bases deleted (TT; older notation c.902-12_902-11delTT).
Molecular consequence: intron variant.
Genome position (GRCh38, 1-based): chr1:207,770,309-207,770,310, TT deleted. VCF-style (leftmost placement, unchanged base first): chr1-207770308-CTT-C. GRCh37 (hg19) VCF-style: chr1-207943653-CTT-C.
Other names: c.947-12_947-11del (NM_002389.4, NM_172359.3); c.902-12_902-11del (NM_153826.4, NM_172358.3); c.901+2486_901+2487del (NM_172355.3, NM_172356.3); c.857-12_857-11del (NM_172352.3, NM_172353.3, NM_172350.3); c.856+3114_856+3115del (NM_172357.3, NM_172361.3).
Identifiers: ClinVar variation 3696555 (VCV003696555.2).

ClinVar aggregate classification (germline): Uncertain significance (1 of 4 stars; one submission).

Submission:

Labcorp Genetics (formerly Invitae), Labcorp
Classification: Uncertain significance. Last evaluated: 2024-10-03. Review status: criteria provided, single submitter. Criteria: Invitae Variant Classification Sherloc (09022015). Collection method: clinical testing. Allele origin: germline.
Comment: This sequence change falls in intron 8 of the CD46 gene. It does not directly change the encoded amino acid sequence of the CD46 protein. This variant is not present in population databases (gnomAD no frequency). This variant has not been reported in the literature in individuals affected with CD46-related conditions. Algorithms developed to predict the effect of sequence changes on RNA splicing suggest that this variant may disrupt the consensus splice site. In summary, the available evidence is currently insufficient to determine the role of this variant in disease. Therefore, it has been classified as a Variant of Uncertain Significance.